The following is an entry in ClinVar:

ClinVar aggregate classification (germline): Uncertain significance (1 of 4 stars; one submission).

Conditions:
Pitt-Hopkins-like syndrome 2 (PTHSL2). Identifiers: Orphanet 221150, Orphanet 600663, MedGen C3280479, MONDO:0013690, OMIM 614325.

Submission:

Labcorp Genetics (formerly Invitae), Labcorp
Classification: Uncertain significance for Pitt-Hopkins-like syndrome 2. Last evaluated: 2024-09-21. Review status: criteria provided, single submitter. Criteria: Invitae Variant Classification Sherloc (09022015). Collection method: clinical testing. Allele origin: germline.
Comment: This sequence change replaces valine, which is neutral and non-polar, with methionine, which is neutral and non-polar, at codon 117 of the NRXN1 protein (p.Val117Met). This variant is not present in population databases (gnomAD no frequency). This variant has not been reported in the literature in individuals affected with NRXN1-related conditions. An algorithm developed to predict the effect of missense changes on protein structure and function (PolyPhen-2) suggests that this variant is likely to be disruptive. In summary, the available evidence is currently insufficient to determine the role of this variant in disease. Therefore, it has been classified as a Variant of Uncertain Significance.

NM_001330078.2(NRXN1):c.349G>A (p.Val117Met)

Gene: NRXN1 (neurexin 1; minus strand). Cytogenetic location: 2p16.3.
Variant type: single nucleotide variant.
Coding change: c.349G>A on transcript NM_001330078.2 (MANE Select); coding-DNA position 349, G replaced by A.
Protein change: p.Val117Met; replaces valine 117 with methionine.
Molecular consequence: missense variant.
Genome position (GRCh38, 1-based): chr2:51,027,925, C>T on the plus strand (G>A on the coding strand, the complement: NRXN1 is on the minus strand). VCF-style: chr2-51027925-C-T. GRCh37 (hg19) VCF-style: chr2-51255063-C-T.
Other names: c.349G>A, p.Val117Met (NM_001135659.3, NM_001330077.2, NM_001330079.2 and 15 more transcripts); short protein forms V117M.
Identifiers: ClinVar variation 3620185 (VCV003620185.2).